The following is an entry in ClinVar:

NM_183381.3(RNF13):c.460T>C (p.Ser154Pro)

Gene: RNF13 (ring finger protein 13; plus strand). Cytogenetic location: 3q25.1.
Variant type: single nucleotide variant.
Coding change: c.460T>C on transcript NM_183381.3 (MANE Select); coding-DNA position 460, T replaced by C.
Protein change: p.Ser154Pro; replaces serine 154 with proline.
Molecular consequence: missense variant. On other transcripts: non-coding transcript variant (1).
Genome position (GRCh38, 1-based): chr3:149,902,122, T>C. VCF-style: chr3-149902122-T-C. GRCh37 (hg19) VCF-style: chr3-149619909-T-C.
Other names: c.460T>C, p.Ser154Pro (NM_001378285.1, NM_001378286.1, NM_007282.4); c.103T>C, p.Ser35Pro (NM_001378287.1, NM_001378288.1, NM_001378289.1 and 2 more transcripts); c.67T>C, p.Ser23Pro (NM_001378291.1); short protein forms S154P, S23P, S35P.
Identifiers: ClinVar variation 4808720 (VCV004808720.1).

ClinVar aggregate classification (germline): Uncertain significance (1 of 4 stars; one submission).

Submission:

Labcorp Genetics (formerly Invitae), Labcorp
Classification: Uncertain significance. Last evaluated: 2025-08-02. Review status: criteria provided, single submitter. Criteria: Invitae Variant Classification Sherloc (09022015). Collection method: clinical testing. Allele origin: germline.
Comment: This sequence change replaces serine, which is neutral and polar, with proline, which is neutral and non-polar, at codon 154 of the RNF13 protein (p.Ser154Pro). This variant is not present in population databases (gnomAD no frequency). This variant has not been reported in the literature in individuals affected with RNF13-related conditions. Invitae Evidence Modeling of protein sequence and biophysical properties (such as structural, functional, and spatial information, amino acid conservation, physicochemical variation, residue mobility, and thermodynamic stability) has been performed for this missense variant. However, the output from this modeling did not meet the statistical confidence thresholds required to predict the impact of this variant on RNF13 protein function. In summary, the available evidence is currently insufficient to determine the role of this variant in disease. Therefore, it has been classified as a Variant of Uncertain Significance.